The following is an entry in ClinVar:

ClinVar aggregate classification (germline): Uncertain significance. Review status: criteria provided, multiple submitters, no conflicts (2 of 4 stars). 2 submissions from 2 submitters: Uncertain significance (2). Last evaluated 2025-06-30.

Conditions:
Inborn genetic diseases. Identifiers: MedGen C0950123, MeSH D030342.

Allele frequency attached by ClinVar (database versions not stated): gnomAD exomes below 0.00001; TOPMed below 0.00001; gnomAD 0.00001.
gnomAD v4.1: 2 of 1,613,682 alleles (0.00012%); highest among the groups gnomAD compares: African/African-American, 0.0013%; no homozygotes.

Submissions (2):

Ambry Genetics
Classification: Uncertain significance for Inborn genetic diseases. Last evaluated: 2025-06-30. Review status: criteria provided, single submitter. Criteria: Ambry Variant Classification Scheme 2023. Collection method: clinical testing. Allele origin: germline.

Labcorp Genetics (formerly Invitae), Labcorp
Classification: Uncertain significance. Last evaluated: 2021-09-20. Review status: criteria provided, single submitter. Criteria: Invitae Variant Classification Sherloc (09022015). Collection method: clinical testing. Allele origin: germline.
Comment: In summary, the available evidence is currently insufficient to determine the role of this variant in disease. Therefore, it has been classified as a Variant of Uncertain Significance. Algorithms developed to predict the effect of missense changes on protein structure and function are either unavailable or do not agree on the potential impact of this missense change (SIFT: "Deleterious"; PolyPhen-2: "Possibly Damaging"; Align-GVGD: "Class C0"). This variant has not been reported in the literature in individuals affected with FREM2-related conditions. This variant is not present in population databases (ExAC no frequency). This sequence change replaces glutamic acid with lysine at codon 1454 of the FREM2 protein (p.Glu1454Lys). The glutamic acid residue is highly conserved and there is a small physicochemical difference between glutamic acid and lysine.

NM_207361.6(FREM2):c.4360G>A (p.Glu1454Lys)

Gene: FREM2 (FRAS1 related extracellular matrix 2; plus strand). Cytogenetic location: 13q13.3.
Variant type: single nucleotide variant.
Coding change: c.4360G>A on transcript NM_207361.6 (MANE Select); coding-DNA position 4360, G replaced by A.
Protein change: p.Glu1454Lys; replaces glutamic acid 1454 with lysine.
Molecular consequence: missense variant.
Genome position (GRCh38, 1-based): chr13:38,691,704, G>A. VCF-style: chr13-38691704-G-A. GRCh37 (hg19) VCF-style: chr13-39265841-G-A.
Other names: c.4360G>A (NM_207361.4); short protein forms E1454K.
Identifiers: ClinVar variation 1354516 (VCV001354516.7), dbSNP rs1368509400, ClinGen allele CA387892963.